The following is an entry in ClinVar:

ClinVar aggregate classification (germline): Uncertain significance (1 of 4 stars; one submission).

Allele frequency attached by ClinVar (database versions not stated): gnomAD 0.00001; TOPMed 0.00001; ExAC 0.00003; ESP Exome Variant Server 0.00008.
gnomAD v4.1: 8 of 1,613,510 alleles (0.0005%); highest among the groups gnomAD compares: African/African-American, 0.0053%; no homozygotes.

Submission:

Labcorp Genetics (formerly Invitae), Labcorp
Classification: Uncertain significance. Last evaluated: 2022-06-14. Review status: criteria provided, single submitter. Criteria: Invitae Variant Classification Sherloc (09022015). Collection method: clinical testing. Allele origin: germline.
Comment: In summary, the available evidence is currently insufficient to determine the role of this variant in disease. Therefore, it has been classified as a Variant of Uncertain Significance. Algorithms developed to predict the effect of missense changes on protein structure and function (SIFT, PolyPhen-2, Align-GVGD) all suggest that this variant is likely to be tolerated. This variant has not been reported in the literature in individuals affected with COPB2-related conditions. This variant is present in population databases (rs376845298, gnomAD 0.02%). This sequence change replaces threonine, which is neutral and polar, with serine, which is neutral and polar, at codon 506 of the COPB2 protein (p.Thr506Ser).

NM_004766.3(COPB2):c.1517C>G (p.Thr506Ser)

Gene: COPB2 (coat protein complex I subunit beta 2; minus strand). Cytogenetic location: 3q23.
Variant type: single nucleotide variant.
Coding change: c.1517C>G on transcript NM_004766.3 (MANE Select); coding-DNA position 1517, C replaced by G.
Protein change: p.Thr506Ser; replaces threonine 506 with serine.
Molecular consequence: missense variant. On other transcripts: non-coding transcript variant (1).
Genome position (GRCh38, 1-based): chr3:139,368,173, G>C on the plus strand (C>G on the coding strand, the complement: COPB2 is on the minus strand). VCF-style: chr3-139368173-G-C. GRCh37 (hg19) VCF-style: chr3-139087015-G-C.
Other names: c.1430C>G, p.Thr477Ser (NM_001410834.1); short protein forms T477S, T506S.
Identifiers: ClinVar variation 1945764 (VCV001945764.5), dbSNP rs376845298, ClinGen allele CA2641250.